The following is an entry in ClinVar:

ClinVar aggregate classification (germline): Pathogenic (1 of 4 stars; one submission).

gnomAD v4.1: 6 of 1,614,062 alleles (0.00037%); highest among the groups gnomAD compares: Non-Finnish European, 0.00034%; no homozygotes.

Submission:

Labcorp Genetics (formerly Invitae), Labcorp
Classification: Pathogenic. Last evaluated: 2024-02-17. Review status: criteria provided, single submitter. Criteria: Invitae Variant Classification Sherloc (09022015). Collection method: clinical testing. Allele origin: germline.
Comment: This sequence change creates a premature translational stop signal (p.Gln4353*) in the DNAH9 gene. It is expected to result in an absent or disrupted protein product. Loss-of-function variants in DNAH9 are known to be pathogenic (PMID: 30471718). This variant is present in population databases (rs779769773, gnomAD 0.0009%). This variant has not been reported in the literature in individuals affected with DNAH9-related conditions. For these reasons, this variant has been classified as Pathogenic.

Literature cited by the submitters: PubMed 30471718.

NM_001372.4(DNAH9):c.13057C>T (p.Gln4353Ter)

Gene: DNAH9 (dynein axonemal heavy chain 9; plus strand). Cytogenetic location: 17p12.
Variant type: single nucleotide variant.
Coding change: c.13057C>T on transcript NM_001372.4 (MANE Select); coding-DNA position 13057, C replaced by T.
Protein change: p.Gln4353Ter; replaces glutamine 4353 with a stop codon.
Molecular consequence: nonsense.
Genome position (GRCh38, 1-based): chr17:11,962,080, C>T. VCF-style: chr17-11962080-C-T. GRCh37 (hg19) VCF-style: chr17-11865397-C-T.
Other names: c.1993C>T, p.Gln665Ter (NM_004662.2); short protein forms Q4353*, Q665*.
Identifiers: ClinVar variation 3614849 (VCV003614849.2).